The following is an entry in ClinVar:

ClinVar aggregate classification (germline): Uncertain significance (1 of 4 stars; one submission).

Conditions:
Atypical hemolytic-uremic syndrome. Identifiers: Orphanet 2134, MedGen C2931788, MONDO:0016244.

Submission:

Genomenon, Inc
Classification: Uncertain significance for Atypical hemolytic-uremic syndrome. Last evaluated: 2025-09-26. Review status: criteria provided, single submitter. Criteria: Genomenon Sequence Variant Interpretation Standards - Updated. Collection method: curation. Allele origin: germline. Affected: no.
Comment: CFB c.1270+6T>C is a splice variant located in the donor splice region of intron 9. This variant has been reported in the published literature (PMID:36845135). It is absent or not present at a significant frequency in gnomAD. In silico models agree that this variant is not damaging. In conclusion, we classify CFB c.1270+6T>C as a variant of uncertain significance.

Literature cited by the submitters: PubMed 36845135.

NM_001710.6(CFB):c.1270+6T>C

Gene: CFB (complement factor B; plus strand). Cytogenetic location: 6p21.33.
Variant type: single nucleotide variant.
Coding change: c.1270+6T>C on transcript NM_001710.6 (MANE Select); 6 bases into the intron after coding-DNA position 1270, T replaced by C.
Molecular consequence: intron variant.
Genome position (GRCh38, 1-based): chr6:31,949,350, T>C. VCF-style: chr6-31949350-T-C. GRCh37 (hg19) VCF-style: chr6-31917127-T-C.
Identifiers: ClinVar variation 4280388 (VCV004280388.1).